The following is an entry in ClinVar:

NM_002335.4(LRP5):c.2437T>C (p.Tyr813His)

Gene: LRP5 (LDL receptor related protein 5; plus strand). Cytogenetic location: 11q13.2.
Variant type: single nucleotide variant.
Coding change: c.2437T>C on transcript NM_002335.4 (MANE Select); coding-DNA position 2437, T replaced by C.
Protein change: p.Tyr813His; replaces tyrosine 813 with histidine.
Molecular consequence: missense variant.
Genome position (GRCh38, 1-based): chr11:68,411,554, T>C. VCF-style: chr11-68411554-T-C. GRCh37 (hg19) VCF-style: chr11-68179022-T-C.
Other names: c.694T>C, p.Tyr232His (NM_001291902.2); short protein forms Y232H, Y813H.
Identifiers: ClinVar variation 1019398 (VCV001019398.10), dbSNP rs936323278, ClinGen allele CA224273616.

ClinVar aggregate classification (germline): Uncertain significance. Review status: criteria provided, multiple submitters, no conflicts (2 of 4 stars). 2 submissions from 2 submitters: Uncertain significance (2). Last evaluated 2023-07-10.

Conditions:
Bone mineral density quantitative trait locus 1 (BMND1). Identifiers: MedGen C1866079, OMIM 601884.
Worth disease. Also called: ENDOSTEAL HYPEROSTOSIS, AUTOSOMAL DOMINANT; OSTEOSCLEROSIS, AUTOSOMAL DOMINANT; Autosomal dominant osteosclerosis, Worth type. Identifiers: Orphanet 2790, MedGen C0432273, MONDO:0007764, OMIM 144750.
Exudative vitreoretinopathy 4 (EVR4). Identifiers: Orphanet 891, MedGen C1866176, MONDO:0011151, OMIM 601813.
Osteoporosis. Identifiers: MedGen C0029456, MONDO:0005298, OMIM 166710, HP:0000939.
Polycystic liver disease 4 with or without kidney cysts. Identifiers: MedGen C4693479, MONDO:0044327, OMIM 617875.
Exudative vitreoretinopathy 1 (EVR1). Also called: CRISWICK-SCHEPENS SYNDROME; FEVR, AUTOSOMAL DOMINANT; Familial exudative vitreoretinopathy, autosomal dominant. Identifiers: Orphanet 891, Orphanet 90050, MedGen C1851402, MONDO:0007589, OMIM 133780.
Autosomal dominant osteopetrosis 1 (OPTA1). Also called: OSTEOPETROSIS, AUTOSOMAL DOMINANT, TYPE I. Identifiers: Orphanet 2783, MedGen C1843330, MONDO:0011877, OMIM 607634.
Osteoporosis with pseudoglioma (OPPG). Also called: osteoporosis-pseudoglioma syndrome. Identifiers: Orphanet 2788, MedGen C0432252, MONDO:0009820, OMIM 259770.

Allele frequency attached by ClinVar (database versions not stated): TOPMed 0.00002.

Submissions (2):

Labcorp Genetics (formerly Invitae), Labcorp
Classification: Uncertain significance. Last evaluated: 2023-07-10. Review status: criteria provided, single submitter. Criteria: Invitae Variant Classification Sherloc (09022015). Collection method: clinical testing. Allele origin: germline.
Comment: In summary, the available evidence is currently insufficient to determine the role of this variant in disease. Therefore, it has been classified as a Variant of Uncertain Significance. Advanced modeling of protein sequence and biophysical properties (such as structural, functional, and spatial information, amino acid conservation, physicochemical variation, residue mobility, and thermodynamic stability) has been performed at Invitae for this missense variant, however the output from this modeling did not meet the statistical confidence thresholds required to predict the impact of this variant on LRP5 protein function. ClinVar contains an entry for this variant (Variation ID: 1019398). This variant has not been reported in the literature in individuals affected with LRP5-related conditions. This variant is present in population databases (no rsID available, gnomAD 0.002%). This sequence change replaces tyrosine, which is neutral and polar, with histidine, which is basic and polar, at codon 813 of the LRP5 protein (p.Tyr813His).

Fulgent Genetics
Classification: Uncertain significance for Exudative vitreoretinopathy 1; Worth disease; Osteoporosis; Osteoporosis with pseudoglioma; Exudative vitreoretinopathy 4; Bone mineral density quantitative trait locus 1; Autosomal dominant osteopetrosis 1; Polycystic liver disease 4 with or without kidney cysts. Last evaluated: 2021-12-30. Review status: criteria provided, single submitter. Criteria: ACMG Guidelines, 2015. Collection method: clinical testing. Allele origin: unknown.